The following is an entry in ClinVar:

ClinVar aggregate classification (germline): Uncertain significance (1 of 4 stars; one submission).

Conditions:
Autosomal recessive nonsyndromic hearing loss 66 (DFNB66). Also called: Deafness, autosomal recessive 66. Identifiers: Orphanet 90636, MedGen C1857750, MONDO:0012442, OMIM 610212.
Isolated neonatal sclerosing cholangitis (NSC). Also called: Sclerosing cholangitis, neonatal. Identifiers: Orphanet 480556, MedGen C4479344, MONDO:0018816, OMIM 617394.

Submission:

Labcorp Genetics (formerly Invitae), Labcorp
Classification: Uncertain significance for Autosomal recessive nonsyndromic hearing loss 66; Isolated neonatal sclerosing cholangitis. Last evaluated: 2023-12-21. Review status: criteria provided, single submitter. Criteria: Invitae Variant Classification Sherloc (09022015). Collection method: clinical testing. Allele origin: germline.
Comment: This sequence change replaces serine, which is neutral and polar, with asparagine, which is neutral and polar, at codon 221 of the DCDC2 protein (p.Ser221Asn). This variant is not present in population databases (gnomAD no frequency). This variant has not been reported in the literature in individuals affected with DCDC2-related conditions. Advanced modeling of protein sequence and biophysical properties (such as structural, functional, and spatial information, amino acid conservation, physicochemical variation, residue mobility, and thermodynamic stability) performed at Invitae indicates that this missense variant is not expected to disrupt DCDC2 protein function with a negative predictive value of 80%. In summary, the available evidence is currently insufficient to determine the role of this variant in disease. Therefore, it has been classified as a Variant of Uncertain Significance.

NM_016356.5(DCDC2):c.662G>A (p.Ser221Asn)

Gene: DCDC2 (doublecortin domain containing 2; minus strand). Cytogenetic location: 6p22.3.
Variant type: single nucleotide variant.
Coding change: c.662G>A on transcript NM_016356.5 (MANE Select); coding-DNA position 662, G replaced by A.
Protein change: p.Ser221Asn; replaces serine 221 with asparagine.
Molecular consequence: missense variant.
Genome position (GRCh38, 1-based): chr6:24,290,974, C>T on the plus strand (G>A on the coding strand, the complement: DCDC2 is on the minus strand). VCF-style: chr6-24290974-C-T. GRCh37 (hg19) VCF-style: chr6-24291202-C-T.
Other names: c.662G>A, p.Ser221Asn (NM_001195610.2); short protein forms S221N.
Identifiers: ClinVar variation 2944136 (VCV002944136.3), dbSNP rs1763729855, ClinGen allele CA363280336.